The following is an entry in ClinVar:

ClinVar aggregate classification (germline): Pathogenic (1 of 4 stars; one submission).

Submission:

Labcorp Genetics (formerly Invitae), Labcorp
Classification: Pathogenic. Last evaluated: 2017-05-03. Review status: criteria provided, single submitter. Criteria: Invitae Variant Classification Sherloc (09022015). Collection method: clinical testing. Allele origin: germline.
Comment: This sequence change inserts 1 nucleotide in exon 26 of the C5orf42 mRNA (c.4890dupA), causing a frameshift at codon 1631. This creates a premature translational stop signal (p.Ser1631Ilefs*6) and is expected to result in an absent or disrupted protein product. While this particular variant has not been reported in the literature, loss-of-function variants in C5orf42 are known to be pathogenic (PMID: 22425360). For these reasons, this variant has been classified as Pathogenic.

Literature cited by the submitters: PubMed 22425360.

NM_001384732.1(CPLANE1):c.4890dup (p.Ser1631fs)

Gene: CPLANE1 (ciliogenesis and planar polarity effector complex subunit 1; minus strand). Cytogenetic location: 5p13.2.
Variant type: Duplication.
Coding change: c.4890dup on transcript NM_001384732.1 (MANE Select); coding-DNA position 4890, one base duplicated (A; older notation c.4890dupA).
Protein change: p.Ser1631fs; shifts the reading frame from serine 1631.
Molecular consequence: frameshift variant.
Genome position (GRCh38, 1-based): chr5:37,183,291, T duplicated on the plus strand (A on the coding strand, the reverse complement: CPLANE1 is on the minus strand); the first of 5 consecutive T bases (chr5:37,183,291-37,183,295); duplicating any one gives the same sequence. VCF-style (leftmost placement, unchanged base first): chr5-37183290-A-AT. GRCh37 (hg19) VCF-style: chr5-37183392-A-AT.
Other names: c.4890dup, p.Ser1631fs (NM_023073.4); c.4890dupA (NM_023073.3); short protein forms S1631fs.
Identifiers: ClinVar variation 473148 (VCV000473148.8), dbSNP rs1554083251, ClinGen allele CA658655863.